The following is an entry in ClinVar:

NM_024736.7(GSDMD):c.410+13AGGGC[5]

Gene: GSDMD (gasdermin D; plus strand). Cytogenetic location: 8q24.3.
Variant type: Microsatellite.
Coding change: c.410+13AGGGC[5] on transcript NM_024736.7 (MANE Select); five copies in a row of the 5-base unit AGGGC starting at c.410+13; the reference has four copies in a row; one copy, 5 bases duplicated.
Molecular consequence: intron variant.
Genome position (GRCh38, 1-based): chr8:143,559,997-143,560,001, AGGGC duplicated; duplicating any 5 consecutive bases within chr8:143,559,982-143,560,001 gives the same sequence; the position shown is the placement nearest the transcript's 3' end. VCF-style (leftmost placement, unchanged base first): chr8-143559981-G-GAGGGC. GRCh37 (hg19) VCF-style: chr8-144642151-G-GAGGGC.
Other names: c.410+28_410+32dupAGGGC (NM_001166237.1); c.410+13AGGGC[5] (NM_001166237.1).
Identifiers: ClinVar variation 402914 (VCV000402914.4), dbSNP rs59118283, ClinGen allele CA4911171.

ClinVar aggregate classification (germline): Benign (1 of 4 stars; one submission).

Submission:

Laboratory for Molecular Medicine, Mass General Brigham Personalized Medicine
Classification: Benign. Last evaluated: 2016-03-28. Review status: criteria provided, single submitter. Criteria: LMM Criteria. Collection method: clinical testing. Allele origin: germline.
Comment: Variant identified in a genome or exome case(s) and assessed due to predicted null impact of the variant or pathogenic assertions in the literature or databases. Disclaimer: This variant has not undergone full assessment. The following are preliminary notes: Frequency